The following is an entry in ClinVar:

ClinVar aggregate classification (germline): Uncertain significance. Review status: criteria provided, multiple submitters, no conflicts (2 of 4 stars). 2 submissions from 2 submitters: Uncertain significance (2). Last evaluated 2024-12-05.

Conditions:
RAI1-related disorder. Also called: RAI1-related condition.

Allele frequency attached by ClinVar (database versions not stated): gnomAD 0.00001; gnomAD exomes 0.00001; TOPMed 0.00001.
gnomAD v4.1: 9 of 1,603,126 alleles (0.00056%); highest among the groups gnomAD compares: Admixed American, 0.0017%; no homozygotes.

Submissions (2):

PreventionGenetics, part of Exact Sciences
Classification: Uncertain significance for RAI1-related condition. Last evaluated: 2024-12-05. Review status: criteria provided, single submitter. Criteria: ACMG Guidelines, 2015. Collection method: clinical testing. Allele origin: germline.
Comment: The RAI1 c.2589G>C variant is predicted to result in the amino acid substitution p.Glu863Asp. This variant was reported in an individual with global developmental delay (Table S10, El Naofal et al. 2023. PubMed ID: 36703223). This variant is reported in 0.00099% of alleles in individuals of European (Non-Finnish) descent in gnomAD. At this time, the clinical significance of this variant is uncertain due to the absence of conclusive functional and genetic evidence.

Dubai Health Genomic Medicine Center, Dubai Health
Classification: Uncertain significance. Last evaluated: 2022-12-17. Review status: criteria provided, single submitter. Criteria: ACMG Guidelines, 2015. Collection method: clinical testing. Allele origin: germline. Affected: yes.

NM_030665.4(RAI1):c.2589G>C (p.Glu863Asp)

Gene: RAI1 (retinoic acid induced 1; plus strand). Cytogenetic location: 17p11.2.
Variant type: single nucleotide variant.
Coding change: c.2589G>C on transcript NM_030665.4 (MANE Select); coding-DNA position 2589, G replaced by C.
Protein change: p.Glu863Asp; replaces glutamic acid 863 with aspartic acid.
Molecular consequence: missense variant.
Genome position (GRCh38, 1-based): chr17:17,795,537, G>C. VCF-style: chr17-17795537-G-C. GRCh37 (hg19) VCF-style: chr17-17698851-G-C.
Other names: c.2589G>C (NM_030665.3); short protein forms E863D.
Identifiers: ClinVar variation 1809677 (VCV001809677.3), dbSNP rs1010886861, ClinGen allele CA288369938.